The following is an entry in ClinVar:

ClinVar aggregate classification (germline): Uncertain significance (1 of 4 stars; one submission).

gnomAD v4.1: 2 of 1,614,136 alleles (0.00012%); highest among the groups gnomAD compares: East Asian, 0.0022%; no homozygotes.

Submission:

Labcorp Genetics (formerly Invitae), Labcorp
Classification: Uncertain significance. Last evaluated: 2023-07-18. Review status: criteria provided, single submitter. Criteria: Invitae Variant Classification Sherloc (09022015). Collection method: clinical testing. Allele origin: germline.
Comment: In summary, the available evidence is currently insufficient to determine the role of this variant in disease. Therefore, it has been classified as a Variant of Uncertain Significance. Advanced modeling of protein sequence and biophysical properties (such as structural, functional, and spatial information, amino acid conservation, physicochemical variation, residue mobility, and thermodynamic stability) performed at Invitae indicates that this missense variant is not expected to disrupt SETBP1 protein function. This variant has not been reported in the literature in individuals affected with SETBP1-related conditions. This variant is not present in population databases (gnomAD no frequency). This sequence change replaces methionine, which is neutral and non-polar, with valine, which is neutral and non-polar, at codon 502 of the SETBP1 protein (p.Met502Val).

NM_015559.3(SETBP1):c.1504A>G (p.Met502Val)

Gene: SETBP1 (SET binding protein 1; plus strand). Cytogenetic location: 18q12.3.
Variant type: single nucleotide variant.
Coding change: c.1504A>G on transcript NM_015559.3 (MANE Select); coding-DNA position 1504, A replaced by G.
Protein change: p.Met502Val; replaces methionine 502 with valine.
Molecular consequence: missense variant.
Genome position (GRCh38, 1-based): chr18:44,950,844, A>G. VCF-style: chr18-44950844-A-G. GRCh37 (hg19) VCF-style: chr18-42530809-A-G.
Other names: c.1504A>G, p.Met502Val (NM_001379141.1, NM_001379142.1, NM_001410862.1); short protein forms M502V.
Identifiers: ClinVar variation 2998419 (VCV002998419.3), dbSNP rs2511467961, ClinGen allele CA402318661.
Genomic context (GRCh38, chr18:44,950,844, plus strand): 5'-ACTGGTGGAAATGCTGAGAAAGTTATCCCAGGAGGTGTGTCTAAGCCGCGGAAGCCACCC[A>G]TGGTCATGACACCTCCAACGTGCACAGATCACTCTCCATCCAGAAAGCTGCCAGAAATCC-3'
Protein context (NP_056374.2, residues 492-512): GGVSKPRKPP[Met502Val]VMTPPTCTDH